The following is an entry in ClinVar:

NM_001035.3(RYR2):c.5154G>T (p.Arg1718Ser)

Gene: RYR2 (ryanodine receptor 2; plus strand). Cytogenetic location: 1q43.
Variant type: single nucleotide variant.
Coding change: c.5154G>T on transcript NM_001035.3 (MANE Select); coding-DNA position 5154, G replaced by T.
Protein change: p.Arg1718Ser; replaces arginine 1718 with serine.
Molecular consequence: missense variant.
Genome position (GRCh38, 1-based): chr1:237,614,282, G>T. VCF-style: chr1-237614282-G-T. GRCh37 (hg19) VCF-style: chr1-237777582-G-T.
Other names: short protein forms R1718S.
Identifiers: ClinVar variation 3232402 (VCV003232402.3), dbSNP rs114534505, ClinGen allele CA086840.
Genomic context (GRCh38, chr1:237,614,282, plus strand): 5'-GCGTGCTGGCTACTATGACCTGCTGATTGACATCCACCTGAGCTCCTATGCCACTGCCAG[G>T]CTCATGATGAACAACGAGTACATTGTCCCCATGACGGAGGAGACGAAGAGCATCACCCTG-3'
Protein context (NP_001026.2, residues 1708-1728): DIHLSSYATA[Arg1718Ser]LMMNNEYIVP

ClinVar aggregate classification (germline): Uncertain significance. Review status: criteria provided, multiple submitters, no conflicts (2 of 4 stars). 2 submissions from 2 submitters: Uncertain significance (2). Last evaluated 2024-02-05.

Conditions:
Cardiovascular phenotype. Identifiers: MedGen CN230736.
Catecholaminergic polymorphic ventricular tachycardia 1. Also called: VENTRICULAR TACHYCARDIA, CATECHOLAMINERGIC POLYMORPHIC, 1, WITH OR WITHOUT ATRIAL DYSFUNCTION AND/OR DILATED CARDIOMYOPATHY; VENTRICULAR TACHYCARDIA, STRESS-INDUCED POLYMORPHIC 1; RYR2-Related Catecholaminergic Polymorphic Ventricular Tachycardia. Identifiers: Orphanet 3286, MedGen C1631597, MONDO:0011484, OMIM 604772.

gnomAD v4.1: 4 of 1,613,976 alleles (0.00025%); highest among the groups gnomAD compares: East Asian, 0.0022%; no homozygotes.

Submissions (2):

Labcorp Genetics (formerly Invitae), Labcorp
Classification: Uncertain significance for Catecholaminergic polymorphic ventricular tachycardia 1. Last evaluated: 2024-02-05. Review status: criteria provided, single submitter. Criteria: Invitae Variant Classification Sherloc (09022015). Collection method: clinical testing. Allele origin: germline.
Comment: This sequence change replaces arginine, which is basic and polar, with serine, which is neutral and polar, at codon 1718 of the RYR2 protein (p.Arg1718Ser). This variant is present in population databases (rs114534505, gnomAD 0.006%). This variant has not been reported in the literature in individuals affected with RYR2-related conditions. Advanced modeling of protein sequence and biophysical properties (such as structural, functional, and spatial information, amino acid conservation, physicochemical variation, residue mobility, and thermodynamic stability) has been performed at Invitae for this missense variant, however the output from this modeling did not meet the statistical confidence thresholds required to predict the impact of this variant on RYR2 protein function. In summary, the available evidence is currently insufficient to determine the role of this variant in disease. Therefore, it has been classified as a Variant of Uncertain Significance.

Ambry Genetics
Classification: Uncertain significance for Cardiovascular phenotype. Last evaluated: 2023-11-02. Review status: criteria provided, single submitter. Criteria: Ambry Variant Classification Scheme 2023. Collection method: clinical testing. Allele origin: germline.
Comment: The p.R1718S variant (also known as c.5154G>T), located in coding exon 37 of the RYR2 gene, results from a G to T substitution at nucleotide position 5154. The arginine at codon 1718 is replaced by serine, an amino acid with dissimilar properties. This amino acid position is highly conserved in available vertebrate species. In addition, the in silico prediction for this alteration is inconclusive. Since supporting evidence is limited at this time, the clinical significance of this alteration remains unclear.